The following is an entry in ClinVar:

NM_000548.5(TSC2):c.4102G>A (p.Gly1368Ser)

Gene: TSC2 (TSC complex subunit 2; plus strand). Cytogenetic location: 16p13.3.
Variant type: single nucleotide variant.
Coding change: c.4102G>A on transcript NM_000548.5 (MANE Select); coding-DNA position 4102, G replaced by A.
Protein change: p.Gly1368Ser; replaces glycine 1368 with serine.
Molecular consequence: missense variant.
Genome position (GRCh38, 1-based): chr16:2,084,324, G>A. VCF-style: chr16-2084324-G-A. GRCh37 (hg19) VCF-style: chr16-2134325-G-A.
Other names: c.3901G>A, p.Gly1301Ser (NM_001077183.3); c.4033G>A, p.Gly1345Ser (NM_001114382.3); c.3793G>A, p.Gly1265Ser (NM_001318827.2); c.3757G>A, p.Gly1253Ser (NM_001318829.2); c.3370G>A, p.Gly1124Ser (NM_001318831.2); c.3934G>A, p.Gly1312Ser (NM_001318832.2); c.3904G>A, p.Gly1302Ser (NM_001363528.2); c.3970G>A, p.Gly1324Ser (NM_001370404.1); and 1 more; short protein forms G1124S, G1253S, G1265S, G1302S, G1301S, G1312S, G1324S, G1325S.
Identifiers: ClinVar variation 664684 (VCV000664684.13), dbSNP rs1596415966, ClinGen allele CA394299483.

ClinVar aggregate classification (germline): Uncertain significance. Review status: criteria provided, multiple submitters, no conflicts (2 of 4 stars). 3 submissions from 3 submitters: Uncertain significance (3). Last evaluated 2025-02-24.

Conditions:
Hereditary cancer-predisposing syndrome. Also called: Neoplastic Syndromes, Hereditary; Hereditary neoplastic syndrome; Tumor predisposition; Hereditary Cancer Syndrome. Identifiers: Orphanet 140162, MedGen C0027672, MeSH D009386, MONDO:0015356.
Tuberous sclerosis syndrome (TSC). Also called: Tuberous Sclerosis Complex; Tuberous sclerosis. Identifiers: Orphanet 805, MedGen C0041341, MONDO:0001734.
Tuberous sclerosis 2 (TSC2). Identifiers: Orphanet 805, MedGen C1860707, MONDO:0013199, OMIM 613254.

Allele frequency attached by ClinVar (database versions not stated): gnomAD exomes below 0.00001.
gnomAD v4.1: 1 of 1,612,768 alleles (0.000062%); highest among the groups gnomAD compares: Non-Finnish European, 0.000085%; no homozygotes.

Submissions (3):

Ambry Genetics
Classification: Uncertain significance for Hereditary cancer-predisposing syndrome. Last evaluated: 2025-02-24. Review status: criteria provided, single submitter. Criteria: Ambry Variant Classification Scheme 2023. Collection method: clinical testing. Allele origin: germline.
Comment: The p.G1368S variant (also known as c.4102G>A), located in coding exon 33 of the TSC2 gene, results from a G to A substitution at nucleotide position 4102. The glycine at codon 1368 is replaced by serine, an amino acid with similar properties. This amino acid position is not well conserved in available vertebrate species. In addition, the in silico prediction for this alteration is inconclusive. Based on the available evidence, the clinical significance of this variant remains unclear.

All of Us Research Program, National Institutes of Health
Classification: Uncertain significance for Tuberous sclerosis syndrome. Last evaluated: 2023-02-24. Review status: criteria provided, single submitter. Criteria: ACMG Guidelines, 2015. Collection method: clinical testing. Allele origin: germline. Inheritance: Autosomal dominant inheritance. Observed: 1 variant allele, 1 heterozygote.
Comment: This missense variant replaces glycine with serine at codon 1368 of the TSC2 protein. Computational prediction suggests that this variant may not impact protein structure and function (internally defined REVEL score threshold <= 0.5, PMID: 27666373). To our knowledge, functional studies have not been reported for this variant. This variant has not been reported in individuals affected with tuberous sclerosis complex in the literature. This variant has not been identified in the general population by the Genome Aggregation Database (gnomAD). The available evidence is insufficient to determine the role of this variant in disease conclusively. Therefore, this variant is classified as a Variant of Uncertain Significance.

This study involves interpretation of variants in research participants for the purpose of population health screening. Participant phenotype was not available at the time of variant classification. Additional details can be found in publication PMID: 35346344, PMCID: PMC8962531

Labcorp Genetics (formerly Invitae), Labcorp
Classification: Uncertain significance for Tuberous sclerosis 2. Last evaluated: 2018-08-08. Review status: criteria provided, single submitter. Criteria: Invitae Variant Classification Sherloc (09022015). Collection method: clinical testing. Allele origin: germline.
Comment: This sequence change replaces glycine with serine at codon 1368 of the TSC2 protein (p.Gly1368Ser). The glycine residue is weakly conserved and there is a small physicochemical difference between glycine and serine. This variant is not present in population databases (ExAC no frequency). This variant has not been reported in the literature in individuals with TSC2-related disease. Algorithms developed to predict the effect of missense changes on protein structure and function output the following: SIFT: "Tolerated"; PolyPhen-2: "Benign"; Align-GVGD: "Class C0". The serine amino acid residue is found in multiple mammalian species, suggesting that this missense change does not adversely affect protein function. These predictions have not been confirmed by published functional studies and their clinical significance is uncertain. In summary, the available evidence is currently insufficient to determine the role of this variant in disease. Therefore, it has been classified as a Variant of Uncertain Significance.